The following is an entry in ClinVar:

NM_000053.4(ATP7B):c.3859G>T (p.Gly1287Cys)

Gene: ATP7B (ATPase copper transporting beta; minus strand). Cytogenetic location: 13q14.3.
Variant type: single nucleotide variant.
Coding change: c.3859G>T on transcript NM_000053.4 (MANE Select); coding-DNA position 3859, G replaced by T.
Protein change: p.Gly1287Cys; replaces glycine 1287 with cysteine.
Molecular consequence: missense variant. On other transcripts: intron variant (1).
Genome position (GRCh38, 1-based): chr13:51,937,520, C>A on the plus strand (G>T on the coding strand, the complement: ATP7B is on the minus strand). VCF-style: chr13-51937520-C-A. GRCh37 (hg19) VCF-style: chr13-52511656-C-A.
Other names: c.3238G>T, p.Gly1080Cys (NM_001005918.3); c.3526G>T, p.Gly1176Cys (NM_001243182.2); c.3625G>T, p.Gly1209Cys (NM_001330578.2, NM_001406527.1, NM_001406528.1); c.3607G>T, p.Gly1203Cys (NM_001330579.2, NM_001406531.1, NM_001406532.1); c.3859G>T, p.Gly1287Cys (NM_001406511.1, NM_001406512.1); c.3853G>T, p.Gly1285Cys (NM_001406513.1); c.3826G>T, p.Gly1276Cys (NM_001406514.1); c.3805G>T, p.Gly1269Cys (NM_001406515.1, NM_001406516.1); and 21 more; short protein forms G1060C, G1071C, G1138C, G1174C, G1207C, G1228C, G1276C, G1285C.
Identifiers: ClinVar variation 3706242 (VCV003706242.2).
Genomic context (GRCh38, chr13:51,937,520, plus strand): 5'-CTGCAGCCACGCTCACTCTGATAAGGACGACGTCGGCTGCCTCGATGGCCACATCCGTGC[C>A]GGTGCCAATGGCCACACCCATGTCTGCCTGGGCCAAGGCCGGGGAGTCATTGACCCCATC-3'
Protein context (NP_000044.2, residues 1277-1297): QADMGVAIGT[Gly1287Cys]TDVAIEAADV

ClinVar aggregate classification (germline): Likely pathogenic (1 of 4 stars; one submission).

Conditions:
Wilson disease (WND). Also called: Wilson's disease. Identifiers: Orphanet 905, MedGen C0019202, MONDO:0010200, OMIM 277900. Disease mechanism: loss of function.

gnomAD v4.1: 1 of 1,614,174 alleles (0.000062%); no homozygotes.

Submission:

Labcorp Genetics (formerly Invitae), Labcorp
Classification: Likely pathogenic for Wilson disease. Last evaluated: 2024-12-02. Review status: criteria provided, single submitter. Criteria: Invitae Variant Classification Sherloc (09022015). Collection method: clinical testing. Allele origin: germline.
Comment: This sequence change replaces glycine, which is neutral and non-polar, with cysteine, which is neutral and slightly polar, at codon 1287 of the ATP7B protein (p.Gly1287Cys). This variant is not present in population databases (gnomAD no frequency). This missense change has been observed in individual(s) with clinical features of Wilson disease (PMID: 35385937; internal data). Invitae Evidence Modeling of protein sequence and biophysical properties (such as structural, functional, and spatial information, amino acid conservation, physicochemical variation, residue mobility, and thermodynamic stability) indicates that this missense variant is expected to disrupt ATP7B protein function with a positive predictive value of 80%. This variant disrupts the p.Gly1287 amino acid residue in ATP7B. Other variant(s) that disrupt this residue have been determined to be pathogenic (PMID: 16088907, 27022412, 27706781, 33640437, 34470610, 35193651, 37020998; internal data). This suggests that this residue is clinically significant, and that variants that disrupt this residue are likely to be disease-causing. In summary, the currently available evidence indicates that the variant is pathogenic, but additional data are needed to prove that conclusively. Therefore, this variant has been classified as Likely Pathogenic.

Literature cited by the submitters: PubMed 35385937; PubMed 16088907; PubMed 27022412; PubMed 27706781; PubMed 33640437; PubMed 34470610; PubMed 35193651; PubMed 37020998.